The following is an entry in ClinVar:

NM_001035.3(RYR2):c.14757-4_14757-3del

Gene: RYR2 (ryanodine receptor 2; plus strand). Cytogenetic location: 1q43.
Variant type: Deletion.
Coding change: c.14757-4_14757-3del on transcript NM_001035.3 (MANE Select); 4 bases into the intron before coding-DNA position 14757 through 3 bases into the intron before coding-DNA position 14757, 2 bases deleted (GT; older notation c.14757-4_14757-3delGT).
Molecular consequence: intron variant.
Genome position (GRCh38, 1-based): chr1:237,831,510-237,831,511, GT deleted; deleting any 2 consecutive bases within chr1:237,831,509-237,831,511 gives the same sequence; the c. name uses the placement nearest the transcript's 3' end. VCF-style (leftmost placement, unchanged base first): chr1-237831508-CTG-C. GRCh37 (hg19) VCF-style: chr1-237994808-CTG-C.
Identifiers: ClinVar variation 4757593 (VCV004757593.1).

ClinVar aggregate classification (germline): Uncertain significance (1 of 4 stars; one submission).

Conditions:
Cardiomyopathy (CMYO). Also called: Cardiomyopathies. Identifiers: Orphanet 167848, MedGen C0878544, MONDO:0004994, HP:0001638. Inheritance: Various modes of inheritance.

Submission:

Color Diagnostics, LLC DBA Color Health
Classification: Uncertain significance for Cardiomyopathy. Last evaluated: 2025-07-09. Review status: criteria provided, single submitter. Criteria: ACMG Guidelines, 2015. Collection method: clinical testing. Allele origin: germline.
Comment: This variant deletes two nucleotides in intron 103 of the RYR2 gene. To our knowledge, functional studies have not been reported for this variant. This variant has not been reported in individuals affected with RYR2-related disorders in the literature. This variant has not been identified in the general population by the Genome Aggregation Database (gnomAD). The available evidence is insufficient to determine the role of this variant in disease conclusively. Therefore, this variant is classified as a Variant of Uncertain Significance.